The following is an entry in ClinVar:

ClinVar aggregate classification (germline): Uncertain significance. Review status: criteria provided, multiple submitters, no conflicts (2 of 4 stars). 2 submissions from 2 submitters: Uncertain significance (2). Last evaluated 2023-08-17.

Conditions:
Creatine transporter deficiency (CCDS1). Also called: Creatine Transporter (CRTR) Deficiency; Mental retardation , X-linked with seizures, short stature and midface hypoplasia; Mental retardation , X-linked, with creatine transport deficiency; X-linked creatine transporter deficiency; X-linked creatine deficiency syndrome; CEREBRAL CREATINE DEFICIENCY SYNDROME 1. Identifiers: Orphanet 52503, MedGen C1845862, MONDO:0010305, OMIM 300352.

Submissions (2):

Labcorp Genetics (formerly Invitae), Labcorp
Classification: Uncertain significance for Creatine transporter deficiency. Last evaluated: 2023-08-17. Review status: criteria provided, single submitter. Criteria: Invitae Variant Classification Sherloc (09022015). Collection method: clinical testing. Allele origin: germline.
Comment: This sequence change falls in intron 9 of the SLC6A8 gene. It does not directly change the encoded amino acid sequence of the SLC6A8 protein. This variant is not present in population databases (gnomAD no frequency). This variant has not been reported in the literature in individuals affected with SLC6A8-related conditions. ClinVar contains an entry for this variant (Variation ID: 1306944). Algorithms developed to predict the effect of sequence changes on RNA splicing suggest that this variant may create or strengthen a splice site. In summary, the available evidence is currently insufficient to determine the role of this variant in disease. Therefore, it has been classified as a Variant of Uncertain Significance.

GeneDx
Classification: Uncertain significance. Last evaluated: 2021-05-17. Review status: criteria provided, single submitter. Criteria: GeneDx Variant Classification Process June 2021. Collection method: clinical testing. Allele origin: germline. Affected: yes.
Comment: Has not been previously published as pathogenic or benign to our knowledge; In-silico analysis, which includes splice predictors and evolutionary conservation, is inconclusive as to whether the variant alters gene splicing. In the absence of RNA/functional studies, the actual effect of this sequence change is unknown.

NM_005629.4(SLC6A8):c.1393-6C>G

Gene: SLC6A8 (solute carrier family 6 member 8; plus strand). Cytogenetic location: Xq28.
Variant type: single nucleotide variant.
Coding change: c.1393-6C>G on transcript NM_005629.4 (MANE Select); 6 bases into the intron before coding-DNA position 1393, C replaced by G.
Molecular consequence: intron variant.
Genome position (GRCh38, 1-based): chrX:153,694,338, C>G. VCF-style: chrX-153694338-C-G. GRCh37 (hg19) VCF-style: chrX-152959793-C-G.
Other names: c.1363-6C>G (NM_001142805.2); c.1048-6C>G (NM_001142806.1).
Identifiers: ClinVar variation 1306944 (VCV001306944.5), dbSNP rs2148364146, ClinGen allele CA2573055139.